The following is an entry in ClinVar:

NM_007272.3(CTRC):c.-2C>T

Gene: CTRC (chymotrypsin C; plus strand). Cytogenetic location: 1p36.21.
Variant type: single nucleotide variant.
Coding change: c.-2C>T on transcript NM_007272.3 (MANE Select); 2 bases upstream of the start codon, C replaced by T.
Molecular consequence: 5 prime UTR variant.
Genome position (GRCh38, 1-based): chr1:15,438,463, C>T. VCF-style: chr1-15438463-C-T. GRCh37 (hg19) VCF-style: chr1-15764959-C-T.
Identifiers: ClinVar variation 2626250 (VCV002626250.2), dbSNP rs1708075349, ClinGen allele CA1155319584.

ClinVar aggregate classification (germline): Uncertain significance (1 of 4 stars; one submission).

Conditions:
Hereditary pancreatitis (PCTT). Also called: PRSS1-Related Hereditary Pancreatitis; Hereditary chronic pancreatitis. Identifiers: Orphanet 676, MedGen C0238339, MONDO:0008185, OMIM 167800.

Allele frequency attached by ClinVar (database versions not stated): TOPMed below 0.00001; gnomAD exomes 0.00001.

Submission:

Ambry Genetics
Classification: Uncertain significance for Hereditary pancreatitis. Last evaluated: 2023-08-07. Review status: criteria provided, single submitter. Criteria: Ambry Variant Classification Scheme 2023. Collection method: clinical testing. Allele origin: germline.
Comment: The c.-2C>T variant is located in the 5' untranslated region (5&rsquo; UTR) of the CTRC gene. This variant results from a C to T substitution 2 bases upstream from the first translated codon. This nucleotide position is poorly conserved in available vertebrate species. Since supporting evidence is limited at this time, the clinical significance of this alteration remains unclear.